The following is an entry in ClinVar:

ClinVar aggregate classification (germline): Uncertain significance. Review status: criteria provided, multiple submitters, no conflicts (2 of 4 stars). 2 submissions from 2 submitters: Uncertain significance (2). Last evaluated 2025-09-02.

Conditions:
Charcot-Marie-Tooth disease axonal type 2S. Also called: CHARCOT-MARIE-TOOTH NEUROPATHY, TYPE 2S; CHARCOT-MARIE-TOOTH DISEASE, AXONAL, AUTOSOMAL RECESSIVE, TYPE 2S. Identifiers: Orphanet 443073, MedGen C4015349, MONDO:0014511, OMIM 616155.
Autosomal recessive distal spinal muscular atrophy 1. Also called: HMN VI; NEURONOPATHY, SEVERE INFANTILE AXONAL, WITH RESPIRATORY FAILURE; SEVERE INFANTILE AXONAL NEUROPATHY WITH RESPIRATORY FAILURE; SPINAL MUSCULAR ATROPHY, DIAPHRAGMATIC; Spinal muscular atrophy with respiratory distress 1; NEURONOPATHY, DISTAL HEREDITARY MOTOR, HARDING TYPE VI. Identifiers: Orphanet 98920, MedGen C1858517, MONDO:0011436, OMIM 604320.
Inborn genetic diseases. Identifiers: MedGen C0950123, MeSH D030342.

Allele frequency attached by ClinVar (database versions not stated): gnomAD 0.00001; gnomAD exomes 0.00001; TOPMed 0.00001.
gnomAD v4.1: 8 of 1,614,132 alleles (0.0005%); highest among the groups gnomAD compares: East Asian, 0.0022%; no homozygotes.

Submissions (2):

Labcorp Genetics (formerly Invitae), Labcorp
Classification: Uncertain significance for Autosomal recessive distal spinal muscular atrophy 1; Charcot-Marie-Tooth disease axonal type 2S. Last evaluated: 2025-09-02. Review status: criteria provided, single submitter. Criteria: Invitae Variant Classification Sherloc (09022015). Collection method: clinical testing. Allele origin: germline.
Comment: This sequence change replaces arginine, which is basic and polar, with cysteine, which is neutral and slightly polar, at codon 254 of the IGHMBP2 protein (p.Arg254Cys). This variant is present in population databases (no rsID available, gnomAD 0.003%). This variant has not been reported in the literature in individuals affected with IGHMBP2-related conditions. ClinVar contains an entry for this variant (Variation ID: 534924). Invitae Evidence Modeling of protein sequence and biophysical properties (such as structural, functional, and spatial information, amino acid conservation, physicochemical variation, residue mobility, and thermodynamic stability) has been performed for this missense variant. However, the output from this modeling did not meet the statistical confidence thresholds required to predict the impact of this variant on IGHMBP2 protein function. In summary, the available evidence is currently insufficient to determine the role of this variant in disease. Therefore, it has been classified as a Variant of Uncertain Significance.

Ambry Genetics
Classification: Uncertain significance for Inborn genetic diseases. Last evaluated: 2021-06-12. Review status: criteria provided, single submitter. Criteria: Ambry Variant Classification Scheme 2023. Collection method: clinical testing. Allele origin: germline.
Comment: The p.R254C variant (also known as c.760C>T), located in coding exon 6 of the IGHMBP2 gene, results from a C to T substitution at nucleotide position 760. The arginine at codon 254 is replaced by cysteine, an amino acid with highly dissimilar properties. This amino acid position is conserved. In addition, the in silico prediction for this alteration is inconclusive. Since supporting evidence is limited at this time, the clinical significance of this alteration remains unclear.

NM_002180.3(IGHMBP2):c.760C>T (p.Arg254Cys)

Gene: IGHMBP2 (immunoglobulin mu DNA binding protein 2; plus strand). Cytogenetic location: 11q13.3.
Variant type: single nucleotide variant.
Coding change: c.760C>T on transcript NM_002180.3 (MANE Select); coding-DNA position 760, C replaced by T.
Protein change: p.Arg254Cys; replaces arginine 254 with cysteine.
Molecular consequence: missense variant.
Genome position (GRCh38, 1-based): chr11:68,914,871, C>T. VCF-style: chr11-68914871-C-T. GRCh37 (hg19) VCF-style: chr11-68682339-C-T.
Other names: short protein forms R254C.
Identifiers: ClinVar variation 534924 (VCV000534924.8), dbSNP rs1033094612, ClinGen allele CA223392259.
Genomic context (GRCh38, chr11:68,914,871, plus strand): 5'-TGCGGTTCCCAGGTTCTGTGCTGCGCCCCCTCCAACATCGCCGTGGACAATCTGGTGGAG[C>T]GCCTGGCTCTGTGTAAGCAGCGGATTCTGCGCCTGGGACACCCTGCCCGCCTCCTGGAGT-3'
Protein context (NP_002171.2, residues 244-264): SNIAVDNLVE[Arg254Cys]LALCKQRILR